The following is an entry in ClinVar:

ClinVar aggregate classification (germline): Uncertain significance (1 of 4 stars; one submission).

Conditions:
YU-KURY NEURODEVELOPMENTAL SYNDROME (YKNS). Identifiers: MedGen CN381608, OMIM 621565.

Submission:

Institute of Human Genetics, University of Leipzig Medical Center
Classification: Uncertain significance for YU-KURY NEURODEVELOPMENTAL SYNDROME. Last evaluated: 2026-05-18. Review status: criteria provided, single submitter. Criteria: ACMG Guidelines, 2015. Collection method: clinical testing. Allele origin: unknown. Inheritance: Autosomal dominant inheritance. Affected: yes.
Comment: Criteria applied: PM2,PP2,PP3

NM_002805.6(PSMC5):c.496G>A (p.Glu166Lys)

Gene: PSMC5 (proteasome 26S subunit, ATPase 5; plus strand). Cytogenetic location: 17q23.3.
Variant type: single nucleotide variant.
Coding change: c.496G>A on transcript NM_002805.6 (MANE Select); coding-DNA position 496, G replaced by A.
Protein change: p.Glu166Lys; replaces glutamic acid 166 with lysine.
Molecular consequence: missense variant.
Genome position (GRCh38, 1-based): chr17:63,830,445, G>A. VCF-style: chr17-63830445-G-A. GRCh37 (hg19) VCF-style: chr17-61907805-G-A.
Other names: c.472G>A, p.Glu158Lys (NM_001199163.2); short protein forms E158K, E166K.
Identifiers: ClinVar variation 4857464 (VCV004857464.1).